The following is an entry in ClinVar:

ClinVar aggregate classification (germline): Uncertain significance (1 of 4 stars; one submission).

Submission:

Greenwood Genetic Center Diagnostic Laboratories, Greenwood Genetic Center
Classification: Uncertain significance. Last evaluated: 2024-01-22. Review status: criteria provided, single submitter. Criteria: ACMG Guidelines, 2015. Collection method: clinical testing. Allele origin: germline. Affected: yes.
Comment: PM2, PP3

NM_007046.4(EMILIN1):c.163C>A (p.Arg55Ser)

Gene: EMILIN1 (elastin microfibril interfacer 1; plus strand). Cytogenetic location: 2p23.3.
Variant type: single nucleotide variant.
Coding change: c.163C>A on transcript NM_007046.4 (MANE Select); coding-DNA position 163, C replaced by A.
Protein change: p.Arg55Ser; replaces arginine 55 with serine.
Molecular consequence: missense variant.
Genome position (GRCh38, 1-based): chr2:27,079,228, C>A. VCF-style: chr2-27079228-C-A. GRCh37 (hg19) VCF-style: chr2-27302096-C-A.
Other names: short protein forms R55S.
Identifiers: ClinVar variation 3235791 (VCV003235791.1), dbSNP rs758148332, ClinGen allele CA346145801.
Genomic context (GRCh38, chr2:27,079,228, plus strand): 5'-TCCAGTGGGGCCCTCAGCCCCGGGGGGCCCCAGGCCCAGATTGCCCCCCGGCCAGCCAGC[C>A]GCCACAGGTAAGAGTCTGGATCCCAGCCCGAGGCTTGGGTGGTGAGGAAGGGGTCAGAAT-3'
Protein context (NP_008977.1, residues 45-65): QAQIAPRPAS[Arg55Ser]HRNWCAYVVT